The following is an entry in ClinVar:

NM_000069.3(CACNA1S):c.5226+1G>A

Gene: CACNA1S (calcium voltage-gated channel subunit alpha1 S; minus strand). Cytogenetic location: 1q32.1.
Variant type: single nucleotide variant.
Coding change: c.5226+1G>A on transcript NM_000069.3 (MANE Select); the canonical splice donor site of the intron after coding-DNA position 5226, G replaced by A.
Molecular consequence: splice donor variant.
Genome position (GRCh38, 1-based): chr1:201,040,621, C>T on the plus strand (G>A on the coding strand, the complement: CACNA1S is on the minus strand). VCF-style: chr1-201040621-C-T. GRCh37 (hg19) VCF-style: chr1-201009749-C-T.
Identifiers: ClinVar variation 2930858 (VCV002930858.3), dbSNP rs2464393390, ClinGen allele CA344131660.

ClinVar aggregate classification (germline): Likely pathogenic (1 of 4 stars; one submission).

Conditions:
Malignant hyperthermia, susceptibility to, 5 (MHS5). Also called: CACNA1S-Related Malignant Hyperthermia Susceptibility. Identifiers: Orphanet 423, MedGen C1866077, MONDO:0011163, OMIM 601887.
Hypokalemic periodic paralysis, type 1. Also called: Hypokalemic Periodic Paralysis Type 1 (AD); HypoPP. Identifiers: Orphanet 681, MedGen C3714580, MONDO:0042979, OMIM 170400.

Submission:

Labcorp Genetics (formerly Invitae), Labcorp
Classification: Likely pathogenic for Hypokalemic periodic paralysis, type 1; Malignant hyperthermia, susceptibility to, 5. Last evaluated: 2023-11-13. Review status: criteria provided, single submitter. Criteria: Invitae Variant Classification Sherloc (09022015). Collection method: clinical testing. Allele origin: germline.
Comment: This sequence change affects a donor splice site in intron 42 of the CACNA1S gene. It is expected to disrupt RNA splicing. Variants that disrupt the donor or acceptor splice site typically lead to a loss of protein function (PMID: 16199547), and loss-of-function variants in CACNA1S are known to be pathogenic (PMID: 26247046, 28012042). This variant is not present in population databases (gnomAD no frequency). This variant has not been reported in the literature in individuals affected with CACNA1S-related conditions. Algorithms developed to predict the effect of sequence changes on RNA splicing suggest that this variant may disrupt the consensus splice site. In summary, the currently available evidence indicates that the variant is pathogenic, but additional data are needed to prove that conclusively. Therefore, this variant has been classified as Likely Pathogenic.

Literature cited by the submitters: PubMed 16199547; PubMed 26247046; PubMed 28012042.